The following is an entry in ClinVar:

NM_001009944.3(PKD1):c.9160A>C (p.Ser3054Arg)

Gene: PKD1 (polycystin 1, transient receptor potential channel interacting; minus strand). Cytogenetic location: 16p13.3.
Variant type: single nucleotide variant.
Coding change: c.9160A>C on transcript NM_001009944.3 (MANE Select); coding-DNA position 9160, A replaced by C.
Protein change: p.Ser3054Arg; replaces serine 3054 with arginine.
Molecular consequence: missense variant.
Genome position (GRCh38, 1-based): chr16:2,102,422, T>G on the plus strand (A>C on the coding strand, the complement: PKD1 is on the minus strand). VCF-style: chr16-2102422-T-G. GRCh37 (hg19) VCF-style: chr16-2152423-T-G.
Other names: c.9160A>C, p.Ser3054Arg (NM_000296.4); short protein forms S3054R.
Identifiers: ClinVar variation 4994999 (VCV004994999.1).

ClinVar aggregate classification (germline): Uncertain significance (1 of 4 stars; one submission).

Conditions:
PKD1-related disorder. Also called: PKD1-related condition.

Submission:

PreventionGenetics, part of Exact Sciences
Classification: Uncertain significance for PKD1-related condition. Last evaluated: 2026-03-23. Review status: criteria provided, single submitter. Criteria: ACMG Guidelines, 2015. Collection method: clinical testing. Allele origin: germline.
Comment: The PKD1 c.9160A>C variant is predicted to result in the amino acid substitution p.Ser3054Arg. To our knowledge, this variant has not been reported in the literature or in a large population database (gnomAD), indicating this variant is rare. At this time, the clinical significance of this variant is uncertain due to the absence of conclusive functional and genetic evidence.